The following is an entry in ClinVar:

ClinVar aggregate classification (germline): Uncertain significance. Review status: criteria provided, multiple submitters, no conflicts (2 of 4 stars). 2 submissions from 2 submitters: Uncertain significance (2). Last evaluated 2025-05-25.

Conditions:
Baller-Gerold syndrome (BGS). Also called: CRANIOSYNOSTOSIS WITH RADIAL DEFECTS. Identifiers: Orphanet 1225, MedGen C0265308, MONDO:0009039, OMIM 218600.

Allele frequency attached by ClinVar (database versions not stated): TOPMed 0.00001; gnomAD 0.00003.
gnomAD v4.1: 2 of 1,238,202 alleles (0.00016%); highest among the groups gnomAD compares: African/African-American, 0.0032%; no homozygotes.

Submissions (2):

Labcorp Genetics (formerly Invitae), Labcorp
Classification: Uncertain significance for Baller-Gerold syndrome. Last evaluated: 2025-05-25. Review status: criteria provided, single submitter. Criteria: Invitae Variant Classification Sherloc (09022015). Collection method: clinical testing. Allele origin: germline.
Comment: This sequence change replaces arginine, which is basic and polar, with tryptophan, which is neutral and slightly polar, at codon 3 of the RECQL4 protein (p.Arg3Trp). This variant is present in population databases (no rsID available, gnomAD no frequency). This variant has not been reported in the literature in individuals affected with RECQL4-related conditions. ClinVar contains an entry for this variant (Variation ID: 282985). Experimental studies and prediction algorithms are not available or were not evaluated, and the functional significance of this variant is currently unknown. In summary, the available evidence is currently insufficient to determine the role of this variant in disease. Therefore, it has been classified as a Variant of Uncertain Significance.

Eurofins Ntd Llc (ga)
Classification: Uncertain significance. Last evaluated: 2015-09-16. Review status: criteria provided, single submitter. Criteria: EGL Classification Definitions 2015. Collection method: clinical testing. Allele origin: germline. Observed: 1 variant allele, 1 heterozygote.

NM_004260.4(RECQL4):c.7C>T (p.Arg3Trp)

Genes: RECQL4 (RecQ like helicase 4; minus strand), LOC130001411 (ATAC-STARR-seq lymphoblastoid silent region 19699; plus strand). Cytogenetic location: 8q24.3.
Variant type: single nucleotide variant.
Coding change: c.7C>T on transcript NM_004260.4 (MANE Select); coding-DNA position 7, C replaced by T.
Protein change: p.Arg3Trp; replaces arginine 3 with tryptophan.
Molecular consequence: missense variant.
Genome position (GRCh38, 1-based): chr8:144,517,778, G>A on the plus strand (C>T on the coding strand, the complement: RECQL4 is on the minus strand). VCF-style: chr8-144517778-G-A. GRCh37 (hg19) VCF-style: chr8-145743162-G-A.
Other names: short protein forms R3W.
Identifiers: ClinVar variation 282985 (VCV000282985.10), dbSNP rs886042531, ClinGen allele CA10604361.
Genomic context (GRCh38, chr8:144,517,778, plus strand): 5'-CGCGCTGCCGTCGGAACGCGCGCTCCCACGCCTGCAGCCGCTCCCGCACGTCCCGCAGCC[G>A]CTCCATGGCGCGCGCGCCCGCCCGGCCTCCGCGCTTGCGATCGTCCAGCGAATCTCCCGC-3'
Protein context (NP_004251.4, residues 1-13): ME[Arg3Trp]LRDVRERLQA